The following is an entry in ClinVar:

NM_001135629.3(PPP1R21):c.762T>C (p.Asp254=)

Gene: PPP1R21 (protein phosphatase 1 regulatory subunit 21; plus strand). Cytogenetic location: 2p16.3.
Variant type: single nucleotide variant.
Coding change: c.762T>C on transcript NM_001135629.3 (MANE Select); coding-DNA position 762, T replaced by C.
Protein change: p.Asp254=; no amino-acid change (aspartic acid 254 retained).
Molecular consequence: synonymous variant. On other transcripts: non-coding transcript variant (1).
Genome position (GRCh38, 1-based): chr2:48,465,507, T>C. VCF-style: chr2-48465507-T-C. GRCh37 (hg19) VCF-style: chr2-48692646-T-C.
Other names: c.762T>C, p.Asp254= (NM_152994.5, NM_001193475.2).
Identifiers: ClinVar variation 4085642 (VCV004085642.8).

ClinVar aggregate classification (germline): Likely benign (1 of 4 stars; one submission).

Submission:

CeGaT Center for Human Genetics Tuebingen
Classification: Likely benign. Last evaluated: 2025-08-01. Review status: criteria provided, single submitter. Criteria: CeGaT Center For Human Genetics Tuebingen Variant Classification Criteria Version 2. Collection method: clinical testing. Allele origin: germline. Affected: yes. Observed: 1 variant allele.
Comment: PPP1R21: BP4, BP7